The following is an entry in ClinVar:

ClinVar aggregate classification (germline): Likely pathogenic. Review status: reviewed by expert panel (3 of 4 stars). 7 submissions from 7 submitters: Likely pathogenic (1). 6 of the submissions do not count toward it. Last evaluated 2026-11-22.

Conditions:
Hereditary cancer-predisposing syndrome. Also called: Hereditary neoplastic syndrome; Neoplastic Syndromes, Hereditary; Hereditary Cancer Syndrome; Tumor predisposition. Identifiers: Orphanet 140162, MedGen C0027672, MeSH D009386, MONDO:0015356.
Chuvash polycythemia. Also called: POLYCYTHEMIA, VHL-DEPENDENT. Identifiers: Orphanet 238557, MedGen C1837915, MONDO:0009892, OMIM 263400.
Von Hippel-Lindau syndrome (VHLS). Also called: von Hippel–Lindau syndrome; VHL syndrome; Von Hippel-Lindau. Identifiers: Orphanet 892, MedGen C0019562, MONDO:0008667, OMIM 193300. Disease mechanism: loss of function.

Allele frequency attached by ClinVar (database versions not stated): gnomAD exomes below 0.00001.

Submissions (7):

ClinGen VHL Variant Curation Expert Panel, ClinGen
Classification: Likely pathogenic for Von Hippel-Lindau syndrome. Last evaluated: 2026-11-22. Review status: reviewed by expert panel. Criteria: ClinGen VHL ACMG Specifications VHL V1.1.0. Collection method: curation. Allele origin: germline. Inheritance: Autosomal dominant inheritance.
Comment: The NM_000551.4:c.335A>G (rs869025633) variant in VHL is a missense variant predicted to cause substitution of Tyr by Cys at amino acid 112 (p.Tyr112Cys). This variant is a germline hotspot, resides within the 1st β-domain, a functional domain of pVHL (PM1). The computational predictor REVEL gives a score of 0.933, which is above the threshold of >=0.664, evidence that correlates with impact to VHL function (PP3). The GroupMax Filtering Allele Frequency (95% CI) in gnomAD v4.0.0 is 2.8000000000000007e-7 (2/1597972 from European, Non-Finnish Population). PM2_Supporting can be applied at <= 0.0000015 (0.00015%) frequency in gnomAD (PM2_Supporting). This variant has been reported in 3 probands with (1) retinal capillary hemangioma (2) non-specific (pheochromocytoma without description of full panel) VHL phenotype (PS4_Supporting); (PMIDs: 33720516, 30185211, 26268347). Finally, other missense variants affecting the same residue but resulting in a different amino acid substitution, p.Tyr112His (c.334T>C) and p.Tyr112Asn (c.334T>A), have been established as pathogenic using VHL VCEP specifications. The Grantham distance of p.Y112C exceeds that of the established pathogenic variants p.Y112H and p.Y112N, supporting alteration at this residue and meeting the VHL VCEP PM5 criterion. In summary, this variant is classified as Likely Pathogenic for von Hippel-Lindau disease. ACMG/AMP criteria applied as specified by the ClinGen VHL VCEP Version 1.1.0 (Specifications approval date: 01/10/2025). Variant Approval Date 11/22/2026.

Myriad Genetics, Inc.
Classification: Likely pathogenic for Von Hippel-Lindau syndrome. Last evaluated: 2025-12-08. Review status: criteria provided, single submitter. Criteria: Myriad Autosomal Dominant, Autosomal Recessive and X-Linked Classification Criteria (2023). Collection method: clinical testing. Allele origin: unknown. Not counted in ClinVar's aggregate classification.
Comment: This variant is considered likely pathogenic. This variant has been reported in multiple individuals with clinical features of gene-specific disease [PMID: 30185211, 26268347, 33720516, 40202835, 21713522, 8863170, 18580449, 22517557, 19238077; external communications]. This variant is expected to disrupt protein structure [Myriad internal data].

Labcorp Genetics (formerly Invitae), Labcorp
Classification: Pathogenic for Von Hippel-Lindau syndrome; Chuvash polycythemia. Last evaluated: 2025-11-03. Review status: criteria provided, single submitter. Criteria: Invitae Variant Classification Sherloc (09022015). Collection method: clinical testing. Allele origin: germline. Not counted in ClinVar's aggregate classification.
Comment: This sequence change replaces tyrosine, which is neutral and polar, with cysteine, which is neutral and slightly polar, at codon 112 of the VHL protein (p.Tyr112Cys). This variant is not present in population databases (gnomAD no frequency). This missense change has been observed in individuals with clinical features of von Hippel-Lindau syndrome type 2C (PMID: 26268347; internal data). ClinVar contains an entry for this variant (Variation ID: 223189). Invitae Evidence Modeling of protein sequence and biophysical properties (such as structural, functional, and spatial information, amino acid conservation, physicochemical variation, residue mobility, and thermodynamic stability) indicates that this missense variant is expected to disrupt VHL protein function with a positive predictive value of 95%. This variant disrupts the p.Tyr112 amino acid residue in VHL. Other variant(s) that disrupt this residue have been determined to be pathogenic (PMID: 8956040, 10408776, 10823831, 19030229, 21204227). This suggests that this residue is clinically significant, and that variants that disrupt this residue are likely to be disease-causing. For these reasons, this variant has been classified as Pathogenic.

Athena Diagnostics
Classification: Likely pathogenic. Last evaluated: 2025-08-15. Review status: criteria provided, single submitter. Criteria: Athena Diagnostics Criteria. Collection method: clinical testing. Allele origin: unknown. Not counted in ClinVar's aggregate classification.
Comment: This variant has not been reported in large, multi-ethnic general populations. This variant has been identified in at least one individual with von Hippel-Lindau syndrome. Multiple missense variants at this codon, including at least one considered to be pathogenic or likely pathogenic, have been reported in individuals with von Hippel-Lindau syndrome associated with this gene, suggesting this variant may also cause disease. Assessment of experimental evidence regarding the effect of this variant on protein function is inconclusive (PMID: 36329119, 38969834).

Ambry Genetics
Classification: Likely pathogenic for Hereditary cancer-predisposing syndrome. Last evaluated: 2025-06-05. Review status: criteria provided, single submitter. Criteria: Ambry Variant Classification Scheme 2023. Collection method: clinical testing. Allele origin: germline. Not counted in ClinVar's aggregate classification.
Comment: The p.Y112C variant (also known as c.335A>G), located in coding exon 1 of the VHL gene, results from an A to G substitution at nucleotide position 335. The tyrosine at codon 112 is replaced by cysteine, an amino acid with highly dissimilar properties. This variant was determined to be functionally intermediate in one saturation genome editing assay (Buckley M et al. Nat Genet, 2024 Jul;56:1446-1455). This variant was reported in individual(s) with features consistent with von Hippel Lindau syndrome (Ambry internal data; Kozaczuk S et al. Ital J Pediatr, 2015 Aug;41:56; Minnella AM et al. J Med Case Rep, 2018 Sep;12:248; Reich M et al. Acta Ophthalmol, 2021 Dec;99:e1492-e1500). Another variant at the same codon, p.Y112H (c.334T>C), has been identified in individual(s) with features consistent with VHL (Tisherman SE et al. Arch Intern Med, 1993 Nov;153:2550-6; Chen F et al. Hum Mutat, 1995;5:66-75; Chen F et al. J Med Genet, 1996 Aug;33:716-7; Nielsen SM et al. Am J Med Genet A, 2011 Jan;155A:168-73). This amino acid position is highly conserved in available vertebrate species. In addition, this alteration is predicted to be deleterious by in silico analysis. This variant is considered to be rare based on population cohorts in the Genome Aggregation Database (gnomAD). Based on the majority of available evidence to date, this variant is likely to be pathogenic.

AiLife Diagnostics
Classification: Likely pathogenic. Last evaluated: 2021-12-02. Review status: criteria provided, single submitter. Criteria: ACMG Guidelines, 2015. Collection method: clinical testing. Allele origin: germline. Affected: yes. Observed: 1 variant allele. Not counted in ClinVar's aggregate classification.

Genomic Diagnostic Laboratory, Division of Genomic Diagnostics, Children's Hospital of Philadelphia
Classification: Uncertain significance for Von Hippel-Lindau syndrome. Last evaluated: 2016-02-26. Review status: no assertion criteria provided. Collection method: clinical testing. Allele origin: germline. Affected: yes. Observed: 2 variant alleles. Not counted in ClinVar's aggregate classification.

Literature cited by the submitters: PubMed 30185211 (cited by 4 submitters); PubMed 26268347 (cited by 5 submitters); PubMed 33720516 (cited by 4 submitters); PubMed 40202835 (cited by Myriad Genetics, Inc.); PubMed 21713522 (cited by Myriad Genetics, Inc.); PubMed 8863170 (cited by Myriad Genetics, Inc.); PubMed 18580449 (cited by Myriad Genetics, Inc.); PubMed 22517557 (cited by Myriad Genetics, Inc.); PubMed 19238077 (cited by Myriad Genetics, Inc.); PubMed 8956040 (cited by Labcorp Genetics (formerly Invitae), Labcorp); PubMed 10408776 (cited by Labcorp Genetics (formerly Invitae), Labcorp); PubMed 10823831 (cited by Labcorp Genetics (formerly Invitae), Labcorp); PubMed 19030229 (cited by Labcorp Genetics (formerly Invitae), Labcorp); PubMed 21204227 (cited by Labcorp Genetics (formerly Invitae), Labcorp); PubMed 19694021 (cited by Athena Diagnostics); PubMed 38969834 (cited by Athena Diagnostics and Ambry Genetics); PubMed 36329119 (cited by Athena Diagnostics).

NM_000551.4(VHL):c.335A>G (p.Tyr112Cys)

Gene: VHL (von Hippel-Lindau tumor suppressor; plus strand). Cytogenetic location: 3p25.3.
Variant type: single nucleotide variant.
Coding change: c.335A>G on transcript NM_000551.4 (MANE Select); coding-DNA position 335, A replaced by G.
Protein change: p.Tyr112Cys; replaces tyrosine 112 with cysteine.
Molecular consequence: missense variant.
Genome position (GRCh38, 1-based): chr3:10,142,182, A>G. VCF-style: chr3-10142182-A-G. GRCh37 (hg19) VCF-style: chr3-10183866-A-G.
Other names: NM_000551.4(VHL):c.335A>G; p.Tyr112Cys; c.335A>G, p.Tyr112Cys (NM_001354723.2, NM_198156.3); short protein forms Y112C.
Identifiers: ClinVar variation 223189 (VCV000223189.21), dbSNP rs869025633, ClinGen allele CA357115.